The following is an entry in ClinVar:

ClinVar aggregate classification (germline): Uncertain significance. Review status: criteria provided, single submitter (1 of 4 stars). 2 submissions from 2 submitters: Uncertain significance (1). 1 of the submissions does not count toward it. Last evaluated 2021-09-01.

Conditions:
Nemaline myopathy 2 (NEM2). Also called: Nemaline myopathy 2, autosomal recessive. Identifiers: MedGen C1850569, MONDO:0009725, OMIM 256030.

Allele frequency attached by ClinVar (database versions not stated): gnomAD exomes below 0.00001; gnomAD 0.00001.
gnomAD v4.1: 4 of 1,613,798 alleles (0.00025%); highest among the groups gnomAD compares: East Asian, 0.0022%; no homozygotes.

Submissions (2):

Labcorp Genetics (formerly Invitae), Labcorp
Classification: Uncertain significance for Nemaline myopathy 2. Last evaluated: 2021-09-01. Review status: criteria provided, single submitter. Criteria: Invitae Variant Classification Sherloc (09022015). Collection method: clinical testing. Allele origin: germline.
Comment: This sequence change replaces histidine with arginine at codon 7391 of the NEB protein (p.His7391Arg). The histidine residue is weakly conserved and there is a small physicochemical difference between histidine and arginine. This variant is not present in population databases (ExAC no frequency). This variant has not been reported in the literature in individuals affected with NEB-related conditions. Algorithms developed to predict the effect of missense changes on protein structure and function are either unavailable or do not agree on the potential impact of this missense change (SIFT: "Deleterious"; PolyPhen-2: "Not Available"; Align-GVGD: "Class C0"). In summary, the available evidence is currently insufficient to determine the role of this variant in disease. Therefore, it has been classified as a Variant of Uncertain Significance.

Natera, Inc.
Classification: Uncertain significance for Nemaline myopathy type 2. Last evaluated: 2020-07-21. Review status: no assertion criteria provided. Collection method: clinical testing. Allele origin: germline. Not counted in ClinVar's aggregate classification.

NM_001164508.2(NEB):c.22067A>G (p.His7356Arg)

Genes: NEB (nebulin; minus strand), RIF1 (replication timing regulatory factor 1; plus strand). Cytogenetic location: 2q23.3.
Variant type: single nucleotide variant.
Coding change: c.22067A>G on transcript NM_001164508.2 (MANE Select); coding-DNA position 22067, A replaced by G.
Protein change: p.His7356Arg; replaces histidine 7356 with arginine.
Molecular consequence: missense variant.
Genome position (GRCh38, 1-based): chr2:151,526,052, T>C on the plus strand (A>G on the coding strand, the complement: NEB is on the minus strand). VCF-style: chr2-151526052-T-C. GRCh37 (hg19) VCF-style: chr2-152382566-T-C.
Other names: c.22067A>G, p.His7356Arg (NM_001164507.2); c.22172A>G, p.His7391Arg (NM_001271208.2); c.16964A>G, p.His5655Arg (NM_004543.5); short protein forms H5655R, H7356R, H7391R.
Identifiers: ClinVar variation 1059043 (VCV001059043.10), dbSNP rs1447292730, ClinGen allele CA348766332.